The following is an entry in ClinVar:

NM_001378743.1(CYLD):c.*2236C>T

Genes: CYLD (CYLD lysine 63 deubiquitinase; plus strand), CYLD-AS2 (CYLD antisense RNA 2; minus strand). Cytogenetic location: 16q12.1.
Variant type: single nucleotide variant.
Coding change: c.*2236C>T on transcript NM_001378743.1 (MANE Select); 2236 bases downstream of the stop codon, C replaced by T.
Molecular consequence: 3 prime UTR variant. On other transcripts: non-coding transcript variant (1).
Genome position (GRCh38, 1-based): chr16:50,798,744, C>T. VCF-style: chr16-50798744-C-T. GRCh37 (hg19) VCF-style: chr16-50832655-C-T.
Other names: c.*2236C>T (NM_001042355.2, NM_001042412.3, NM_001378744.1 and 12 more transcripts).
Identifiers: ClinVar variation 319535 (VCV000319535.5), dbSNP rs57638820, ClinGen allele CA10648513.
Genomic context (GRCh38, chr16:50,798,744, plus strand): 5'-GGAAGCTCTGCTACCCAGGCTGTCATGGTAGAGAACTTGAAGAAGACCTGTTTGGATGGA[C>T]ACCTGGTTTCAAAAGTCAGGTGTGGAGACTGTTAAATGGGAGGGCCTCATCCATAAATGA-3'

ClinVar aggregate classification (germline): Benign. Review status: criteria provided, single submitter (1 of 4 stars). 3 submissions from 1 submitter: Benign (3). Last evaluated 2018-01-13.

Conditions:
Brooke-Spiegler syndrome. Also called: CYLD Cutaneous Syndrome. Identifiers: Orphanet 79493, MedGen C1857941, MONDO:0011512, OMIM 605041.
Familial multiple trichoepitheliomata. Also called: Familial multiple trichoepithelioma. Identifiers: Orphanet 79493, Orphanet 867, MedGen C1275122, MONDO:0011114.
Familial cylindromatosis. Also called: Turban tumor syndrome; ANCELL-SPIEGLER CYLINDROMAS. Identifiers: Orphanet 211, Orphanet 79493, MedGen C1851526, MONDO:0007565, OMIM 132700.

Allele frequency attached by ClinVar (database versions not stated): gnomAD exomes 0.00319; 1000 Genomes Project 0.00719; gnomAD 0.00835 and 0.00896; 1000 Genomes Project 30x 0.00874; TOPMed 0.01070.
gnomAD v4.1: 1,519 of 233,368 alleles (0.65%); highest among the groups gnomAD compares: African/African-American, 2.6%; 16 homozygotes.

Submissions (3):

Illumina Laboratory Services, Illumina
Classification: Benign for Familial cylindromatosis. Last evaluated: 2018-01-13. Review status: criteria provided, single submitter. Criteria: ICSL Variant Classification Criteria 13 December 2019. Collection method: clinical testing. Allele origin: germline.
Comment: This variant was observed in the ICSL laboratory as part of a predisposition screen in an ostensibly healthy population. It had not been previously curated by ICSL or reported in the Human Gene Mutation Database (HGMD: prior to June 1st, 2018), and was therefore a candidate for classification through an automated scoring system. Utilizing variant allele frequency, disease prevalence and penetrance estimates, and inheritance mode, an automated score was calculated to assess if this variant is too frequent to cause the disease. Based on the score and internal cut-off values, a variant classified as benign is not then subjected to further curation. The score for this variant resulted in a classification of benign for this disease.

Illumina Laboratory Services, Illumina
Classification: Benign for Trichoepithelioma, multiple familial, 1. Last evaluated: 2018-01-13. Review status: criteria provided, single submitter. Criteria: ICSL Variant Classification Criteria 13 December 2019. Collection method: clinical testing. Allele origin: germline.
Comment: the same text as in the submission from Illumina Laboratory Services, Illumina above.

Illumina Laboratory Services, Illumina
Classification: Benign for Brooke-Spiegler syndrome. Last evaluated: 2018-01-13. Review status: criteria provided, single submitter. Criteria: ICSL Variant Classification Criteria 13 December 2019. Collection method: clinical testing. Allele origin: germline.
Comment: the same text as in the submission from Illumina Laboratory Services, Illumina above.